The following is an entry in ClinVar:

ClinVar aggregate classification (germline): Conflicting classifications of pathogenicity. Review status: criteria provided, conflicting classifications (1 of 4 stars). 5 submissions from 4 submitters: Uncertain significance (4); Benign (1). Last evaluated 2023-12-13.

Conditions:
Autosomal recessive ataxia, Beauce type. Also called: SYNE1-Related Autosomal Recessive Cerebellar Ataxia; Spinocerebellar ataxia, autosomal recessive 8; ATAXIA, RECESSIVE, OF BEAUCE; SYNE1 Deficiency. Identifiers: Orphanet 88644, MedGen C1853116, MONDO:0012549, OMIM 610743.
Emery-Dreifuss muscular dystrophy 4, autosomal dominant (EDMD4). Also called: EMERY-DREIFUSS MUSCULAR DYSTROPHY 4 WITH VARIABLE FEATURES. Identifiers: Orphanet 261, MedGen C2751807, MONDO:0013071, OMIM 612998.

Allele frequency attached by ClinVar (database versions not stated): ExAC 0.00002; gnomAD 0.00002; gnomAD exomes 0.00004; TOPMed 0.00005.
gnomAD v4.1: 40 of 1,613,988 alleles (0.0025%); highest among the groups gnomAD compares: Middle Eastern, 0.033%; no homozygotes.

Submissions (5):

Revvity Omics, Revvity
Classification: Uncertain significance. Last evaluated: 2023-12-13. Review status: criteria provided, single submitter. Criteria: ACMG Guidelines, 2015. Collection method: clinical testing. Allele origin: germline.

Blueprint Genetics
Classification: Uncertain significance. Last evaluated: 2023-11-30. Review status: criteria provided, single submitter. Criteria: ACMG Guidelines, 2015. Collection method: clinical testing. Allele origin: germline.

Labcorp Genetics (formerly Invitae), Labcorp
Classification: Uncertain significance for Emery-Dreifuss muscular dystrophy 4, autosomal dominant; Autosomal recessive ataxia, Beauce type. Last evaluated: 2022-07-19. Review status: criteria provided, single submitter. Criteria: Invitae Variant Classification Sherloc (09022015). Collection method: clinical testing. Allele origin: germline.
Comment: In summary, the available evidence is currently insufficient to determine the role of this variant in disease. Therefore, it has been classified as a Variant of Uncertain Significance. Algorithms developed to predict the effect of missense changes on protein structure and function (SIFT, PolyPhen-2, Align-GVGD) all suggest that this variant is likely to be disruptive. ClinVar contains an entry for this variant (Variation ID: 355855). This variant has not been reported in the literature in individuals affected with SYNE1-related conditions. This variant is present in population databases (rs780794124, gnomAD 0.03%). This sequence change replaces arginine, which is basic and polar, with tryptophan, which is neutral and slightly polar, at codon 5601 of the SYNE1 protein (p.Arg5601Trp).

Illumina Laboratory Services, Illumina
Classification: Uncertain significance for Autosomal recessive ataxia, Beauce type. Last evaluated: 2018-01-13. Review status: criteria provided, single submitter. Criteria: ICSL Variant Classification Criteria 13 December 2019. Collection method: clinical testing. Allele origin: germline.

Illumina Laboratory Services, Illumina
Classification: Benign for Emery-Dreifuss muscular dystrophy 4, autosomal dominant. Last evaluated: 2018-01-13. Review status: criteria provided, single submitter. Criteria: ICSL Variant Classification Criteria 13 December 2019. Collection method: clinical testing. Allele origin: germline.
Comment: This variant was observed in the ICSL laboratory as part of a predisposition screen in an ostensibly healthy population. It had not been previously curated by ICSL or reported in the Human Gene Mutation Database (HGMD: prior to June 1st, 2018), and was therefore a candidate for classification through an automated scoring system. Utilizing variant allele frequency, disease prevalence and penetrance estimates, and inheritance mode, an automated score was calculated to assess if this variant is too frequent to cause the disease. Based on the score and internal cut-off values, a variant classified as benign is not then subjected to further curation. The score for this variant resulted in a classification of benign for this disease.

NM_182961.4(SYNE1):c.17014C>T (p.Arg5672Trp)

Genes: SYNE1 (spectrin repeat containing nuclear envelope protein 1; minus strand), LOC126859837 (BRD4-independent group 4 enhancer GRCh37_chr6:152630775-152631974; plus strand). Cytogenetic location: 6q25.2.
Variant type: single nucleotide variant.
Coding change: c.17014C>T on transcript NM_182961.4 (MANE Select); coding-DNA position 17014, C replaced by T.
Protein change: p.Arg5672Trp; replaces arginine 5672 with tryptophan.
Molecular consequence: missense variant.
Genome position (GRCh38, 1-based): chr6:152,310,401, G>A on the plus strand (C>T on the coding strand, the complement: SYNE1 is on the minus strand). VCF-style: chr6-152310401-G-A. GRCh37 (hg19) VCF-style: chr6-152631536-G-A.
Other names: c.16801C>T, p.Arg5601Trp (NM_033071.5); short protein forms R5601W, R5672W.
Identifiers: ClinVar variation 355855 (VCV000355855.13), dbSNP rs780794124, ClinGen allele CA4055374.